The following is an entry in ClinVar:

NM_130837.3(OPA1):c.*6-13T>C

Gene: OPA1 (OPA1 mitochondrial dynamin like GTPase; plus strand). Cytogenetic location: 3q29.
Variant type: single nucleotide variant.
Coding change: c.*6-13T>C on transcript NM_130837.3 (MANE Select); 13 bases into the intron before 6 bases downstream of the stop codon, T replaced by C.
Molecular consequence: intron variant.
Genome position (GRCh38, 1-based): chr3:193,694,593, T>C. VCF-style: chr3-193694593-T-C. GRCh37 (hg19) VCF-style: chr3-193412382-T-C.
Other names: c.*6-13T>C (NM_001354664.2, NM_001354663.2, NM_130834.3 and 6 more transcripts).
Identifiers: ClinVar variation 507891 (VCV000507891.1), dbSNP rs1243357575, ClinGen allele CA548939565.

ClinVar aggregate classification (germline): Likely benign (1 of 4 stars; one submission).

Allele frequency attached by ClinVar (database versions not stated): gnomAD 0.00001.
gnomAD v4.1: 2 of 152,218 alleles (0.0013%); highest among the groups gnomAD compares: African/African-American, 0.0024%; no homozygotes.

Submission:

GeneDx
Classification: Likely benign. Last evaluated: 2017-03-16. Review status: criteria provided, single submitter. Criteria: GeneDx Variant Classification (06012015). Collection method: clinical testing. Allele origin: germline. Affected: yes.
Comment: This variant is considered likely benign or benign based on one or more of the following criteria: it is a conservative change, it occurs at a poorly conserved position in the protein, it is predicted to be benign by multiple in silico algorithms, and/or has population frequency not consistent with disease.